The following is an entry in ClinVar:

NM_006258.4(PRKG1):c.1076+22785T>C

Gene: PRKG1 (protein kinase cGMP-dependent 1; plus strand). Cytogenetic location: 10q21.1.
Variant type: single nucleotide variant.
Coding change: c.1076+22785T>C on transcript NM_006258.4 (MANE Select); 22785 bases into the intron after coding-DNA position 1076, T replaced by C.
Molecular consequence: intron variant.
Genome position (GRCh38, 1-based): chr10:52,184,748, T>C. VCF-style: chr10-52184748-T-C. GRCh37 (hg19) VCF-style: chr10-53944508-T-C.
Other names: c.1031+22785T>C (NM_001098512.3); c.-134+22785T>C (NM_001374781.1).
Identifiers: ClinVar variation 2640474 (VCV002640474.24), dbSNP rs114136561, ClinGen allele CA207390640.

ClinVar aggregate classification (germline): Benign (1 of 4 stars; one submission).

Allele frequency attached by ClinVar (database versions not stated): gnomAD 0.00410; TOPMed 0.00473; 1000 Genomes Project 30x 0.00515; 1000 Genomes Project 0.00519.

Submission:

CeGaT Center for Human Genetics Tuebingen
Classification: Benign. Last evaluated: 2022-09-01. Review status: criteria provided, single submitter. Criteria: CeGaT Center For Human Genetics Tuebingen Variant Classification Criteria Version 2. Collection method: clinical testing. Allele origin: germline. Affected: yes. Observed: 1 variant allele.
Comment: PRKG1: BS1, BS2